The following is an entry in ClinVar:

ClinVar aggregate classification (germline): Uncertain significance (1 of 4 stars; one submission).

Allele frequency attached by ClinVar (database versions not stated): gnomAD exomes 0.00001.
gnomAD v4.1: 3 of 1,613,990 alleles (0.00019%); highest among the groups gnomAD compares: Non-Finnish European, 0.00025%; no homozygotes.

Submission:

Labcorp Genetics (formerly Invitae), Labcorp
Classification: Uncertain significance. Last evaluated: 2023-11-15. Review status: criteria provided, single submitter. Criteria: Invitae Variant Classification Sherloc (09022015). Collection method: clinical testing. Allele origin: germline.
Comment: This sequence change replaces cysteine, which is neutral and slightly polar, with tyrosine, which is neutral and polar, at codon 4863 of the HMCN1 protein (p.Cys4863Tyr). This variant is not present in population databases (gnomAD no frequency). This variant has not been reported in the literature in individuals affected with HMCN1-related conditions. An algorithm developed to predict the effect of missense changes on protein structure and function (PolyPhen-2) suggests that this variant is likely to be disruptive. In summary, the available evidence is currently insufficient to determine the role of this variant in disease. Therefore, it has been classified as a Variant of Uncertain Significance.

NM_031935.3(HMCN1):c.14588G>A (p.Cys4863Tyr)

Gene: HMCN1 (hemicentin 1; plus strand). Cytogenetic location: 1q31.1.
Variant type: single nucleotide variant.
Coding change: c.14588G>A on transcript NM_031935.3 (MANE Select); coding-DNA position 14588, G replaced by A.
Protein change: p.Cys4863Tyr; replaces cysteine 4863 with tyrosine.
Molecular consequence: missense variant.
Genome position (GRCh38, 1-based): chr1:186,145,903, G>A. VCF-style: chr1-186145903-G-A. GRCh37 (hg19) VCF-style: chr1-186115035-G-A.
Other names: short protein forms C4863Y.
Identifiers: ClinVar variation 2844502 (VCV002844502.3), dbSNP rs2528129906, ClinGen allele CA343918156.